The following is an entry in ClinVar:

ClinVar aggregate classification (germline): Uncertain significance (1 of 4 stars; one submission).

Conditions:
Inborn genetic diseases. Identifiers: MedGen C0950123, MeSH D030342.

Allele frequency attached by ClinVar (database versions not stated): ExAC 0.00001; gnomAD exomes 0.00001; TOPMed 0.00002; gnomAD 0.00003; 1000 Genomes Project 30x 0.00016.

Submission:

Ambry Genetics
Classification: Uncertain significance for Inborn genetic diseases. Last evaluated: 2021-04-07. Review status: criteria provided, single submitter. Criteria: Ambry Variant Classification Scheme 2023. Collection method: clinical testing. Allele origin: germline.
Comment: The p.R676C variant (also known as c.2026C>T), located in coding exon 14 of the NTRK1 gene, results from a C to T substitution at nucleotide position 2026. The arginine at codon 676 is replaced by cysteine, an amino acid with highly dissimilar properties. This amino acid position is highly conserved in available vertebrate species. In addition, this alteration is predicted to be deleterious by in silico analysis. Since supporting evidence is limited at this time, the clinical significance of this alteration remains unclear.

NM_002529.4(NTRK1):c.2044C>T (p.Arg682Cys)

Gene: NTRK1 (neurotrophic receptor tyrosine kinase 1; plus strand). Cytogenetic location: 1q23.1.
Variant type: single nucleotide variant.
Coding change: c.2044C>T on transcript NM_002529.4 (MANE Select); coding-DNA position 2044, C replaced by T.
Protein change: p.Arg682Cys; replaces arginine 682 with cysteine.
Molecular consequence: missense variant.
Genome position (GRCh38, 1-based): chr1:156,879,360, C>T. VCF-style: chr1-156879360-C-T. GRCh37 (hg19) VCF-style: chr1-156849152-C-T.
Other names: c.2044C>T, p.Arg682Cys (NM_001007204.1); c.1936C>T, p.Arg646Cys (NM_001007792.1); c.2026C>T, p.Arg676Cys (NM_001012331.2); short protein forms R676C, R646C, R682C.
Identifiers: ClinVar variation 1784657 (VCV001784657.2), dbSNP rs768180688, ClinGen allele CA1169534.